The following is an entry in ClinVar:

NM_001081.4(CUBN):c.8794A>T (p.Ile2932Phe)

Gene: CUBN (cubilin; minus strand). Cytogenetic location: 10p13.
Variant type: single nucleotide variant.
Coding change: c.8794A>T on transcript NM_001081.4 (MANE Select); coding-DNA position 8794, A replaced by T.
Protein change: p.Ile2932Phe; replaces isoleucine 2932 with phenylalanine.
Molecular consequence: missense variant.
Genome position (GRCh38, 1-based): chr10:16,888,528, T>A on the plus strand (A>T on the coding strand, the complement: CUBN is on the minus strand). VCF-style: chr10-16888528-T-A. GRCh37 (hg19) VCF-style: chr10-16930527-T-A.
Other names: short protein forms I2932F.
Identifiers: ClinVar variation 1499184 (VCV001499184.6), dbSNP rs2131396329, ClinGen allele CA376138166.
Genomic context (GRCh38, chr10:16,888,528, plus strand): 5'-CCTCTATGACATAGGTGCAATTCATGTTGTTGTCATATTGTTTTGGGTAATTTGGAGAAA[T>A]GATGTAACCTGAAGGGCCAGTGAAATTACTTCCACATCCTATGTGGGAACAAAAAGTCAT-3'
Protein context (NP_001072.2, residues 2922-2942): SNFTGPSGYI[Ile2932Phe]SPNYPKQYDN

ClinVar aggregate classification (germline): Uncertain significance (1 of 4 stars; one submission).

Conditions:
Imerslund-Grasbeck syndrome. Also called: ENTEROCYTE COBALAMIN MALABSORPTION; ENTEROCYTE INTRINSIC FACTOR RECEPTOR, DEFECT OF; Megaloblastic anemia due to inborn errors of metabolism; PERNICIOUS ANEMIA, JUVENILE, DUE TO SELECTIVE INTESTINAL MALABSORPTION OF VITAMIN B12, WITH PROTEINURIA; Imerslund-Gräsbeck syndrome. Identifiers: Orphanet 35858, MedGen C4551825, MONDO:0009853.

Submission:

Labcorp Genetics (formerly Invitae), Labcorp
Classification: Uncertain significance for Imerslund-Grasbeck syndrome. Last evaluated: 2022-06-13. Review status: criteria provided, single submitter. Criteria: Invitae Variant Classification Sherloc (09022015). Collection method: clinical testing. Allele origin: germline.
Comment: This sequence change replaces isoleucine, which is neutral and non-polar, with phenylalanine, which is neutral and non-polar, at codon 2932 of the CUBN protein (p.Ile2932Phe). This variant is not present in population databases (gnomAD no frequency). This variant has not been reported in the literature in individuals affected with CUBN-related conditions. Algorithms developed to predict the effect of missense changes on protein structure and function are either unavailable or do not agree on the potential impact of this missense change (SIFT: "Deleterious"; PolyPhen-2: "Benign"; Align-GVGD: "Class C0"). In summary, the available evidence is currently insufficient to determine the role of this variant in disease. Therefore, it has been classified as a Variant of Uncertain Significance.